The following is an entry in ClinVar:

NM_006158.5(NEFL):c.74_88del (p.His25_Val29del)

Gene: NEFL (neurofilament light chain; minus strand). Cytogenetic location: 8p21.2.
Variant type: Deletion.
Coding change: c.74_88del on transcript NM_006158.5 (MANE Select); coding-DNA positions 74 to 88, 15 bases deleted (ACATCTCCAGCGTGC).
Protein change: p.His25_Val29del.
Molecular consequence: inframe deletion.
Genome position (GRCh38, 1-based): chr8:24,956,428-24,956,442, GCACGCTGGAGATGT deleted on the plus strand (ACATCTCCAGCGTGC on the coding strand, the reverse complement: NEFL is on the minus strand); deleting any 15 consecutive bases within chr8:24,956,428-24,956,446 gives the same sequence; the c. name uses the placement nearest the transcript's 3' end. VCF-style (leftmost placement, unchanged base first): chr8-24956427-CGCACGCTGGAGATGT-C. GRCh37 (hg19) VCF-style: chr8-24813941-CGCACGCTGGAGATGT-C.
Identifiers: ClinVar variation 1983921 (VCV001983921.4), dbSNP rs2486888455, ClinGen allele CA2580078088.
Genomic context (GRCh38, chr8:24,956,427, plus strand): 5'-GAGGAAGACACCGGCGCCGAGTAGCTGGAGTAAGCTGAGCGTGCGGTGCTGTAGCCGCTG[CGCACGCTGGAGATGT>C]GCACCCGGGGCGTCTCCACGTAGCGCCGCTTGTAGGAGGTCGAGTAGTACGGCTCGTAGC-3'

ClinVar aggregate classification (germline): Uncertain significance (1 of 4 stars; one submission).

Conditions:
Charcot-Marie-Tooth disease type 2E (CMT2E). Also called: CHARCOT-MARIE-TOOTH DISEASE, AXONAL, TYPE 2E; CHARCOT-MARIE-TOOTH NEUROPATHY, TYPE 2E. Identifiers: Orphanet 99939, MedGen C1843225, MONDO:0011894, OMIM 607684.

Submission:

Labcorp Genetics (formerly Invitae), Labcorp
Classification: Uncertain significance for Charcot-Marie-Tooth disease type 2E. Last evaluated: 2024-03-09. Review status: criteria provided, single submitter. Criteria: Invitae Variant Classification Sherloc (09022015). Collection method: clinical testing. Allele origin: germline.
Comment: This variant, c.74_88del, results in the deletion of 5 amino acid(s) of the NEFL protein (p.His25_Val29del), but otherwise preserves the integrity of the reading frame. This variant is not present in population databases (gnomAD no frequency). This variant has not been reported in the literature in individuals affected with NEFL-related conditions. ClinVar contains an entry for this variant (Variation ID: 1983921). Experimental studies and prediction algorithms are not available or were not evaluated, and the functional significance of this variant is currently unknown. In summary, the available evidence is currently insufficient to determine the role of this variant in disease. Therefore, it has been classified as a Variant of Uncertain Significance.